The following is an entry in ClinVar:

ClinVar aggregate classification (germline): Uncertain significance. Review status: criteria provided, multiple submitters, no conflicts (2 of 4 stars). 3 submissions from 3 submitters: Uncertain significance (3). Last evaluated 2024-01-20.

Conditions:
Neuronopathy, distal hereditary motor, type 7B. Also called: Distal Hereditary Motor Neuronopathy Type 7B (dHMN7B); HMN VIIB; LOWER MOTOR NEURON DISEASE, DYNACTIN TYPE; NEURONOPATHY, DISTAL HEREDITARY MOTOR, AUTOSOMAL DOMINANT 14; NEURONOPATHY, DISTAL HEREDITARY MOTOR, HARDING TYPE VIIB; NEUROPATHY, DISTAL HEREDITARY MOTOR, HARDING TYPE VIIB. Identifiers: Orphanet 139589, MedGen C1843315, MONDO:0011879, OMIM 607641.
Perry syndrome. Also called: PARKINSONISM WITH ALVEOLAR HYPOVENTILATION AND MENTAL DEPRESSION. Identifiers: Orphanet 178509, MedGen C1868594, MONDO:0008201, OMIM 168605.
Amyotrophic lateral sclerosis type 1 (ALS1). Also called: AMYOTROPHIC LATERAL SCLEROSIS 1, FAMILIAL. Identifiers: Orphanet 803, MedGen C1862939, MONDO:0007103, OMIM 105400.

Allele frequency attached by ClinVar (database versions not stated): gnomAD exomes below 0.00001 and 0.00001.
gnomAD v4.1: 14 of 1,614,146 alleles (0.00087%); highest among the groups gnomAD compares: African/African-American, 0.0013%; no homozygotes.

Submissions (3):

Labcorp Genetics (formerly Invitae), Labcorp
Classification: Uncertain significance for Amyotrophic lateral sclerosis type 1; Neuronopathy, distal hereditary motor, type 7B; Perry syndrome. Last evaluated: 2024-01-20. Review status: criteria provided, single submitter. Criteria: Invitae Variant Classification Sherloc (09022015). Collection method: clinical testing. Allele origin: germline.
Comment: This sequence change replaces tyrosine, which is neutral and polar, with cysteine, which is neutral and slightly polar, at codon 1244 of the DCTN1 protein (p.Tyr1244Cys). This variant is present in population databases (rs752422008, gnomAD 0.0009%). This variant has not been reported in the literature in individuals affected with DCTN1-related conditions. ClinVar contains an entry for this variant (Variation ID: 934831). An algorithm developed to predict the effect of missense changes on protein structure and function (PolyPhen-2) suggests that this variant is likely to be disruptive. In summary, the available evidence is currently insufficient to determine the role of this variant in disease. Therefore, it has been classified as a Variant of Uncertain Significance.

CeGaT Center for Human Genetics Tuebingen
Classification: Uncertain significance. Last evaluated: 2023-08-01. Review status: criteria provided, single submitter. Criteria: CeGaT Center For Human Genetics Tuebingen Variant Classification Criteria Version 2. Collection method: clinical testing. Allele origin: germline. Affected: yes. Observed: 1 variant allele.
Comment: DCTN1: PM2

Blueprint Genetics
Classification: Uncertain significance. Last evaluated: 2021-08-09. Review status: criteria provided, single submitter. Criteria: ACMG Guidelines, 2015. Collection method: clinical testing. Allele origin: germline.

NM_004082.5(DCTN1):c.3731A>G (p.Tyr1244Cys)

Gene: DCTN1 (dynactin subunit 1; minus strand). Cytogenetic location: 2p13.1.
Variant type: single nucleotide variant.
Coding change: c.3731A>G on transcript NM_004082.5 (MANE Select); coding-DNA position 3731, A replaced by G.
Protein change: p.Tyr1244Cys; replaces tyrosine 1244 with cysteine.
Molecular consequence: missense variant. On other transcripts: non-coding transcript variant (1).
Genome position (GRCh38, 1-based): chr2:74,361,605, T>C on the plus strand (A>G on the coding strand, the complement: DCTN1 is on the minus strand). VCF-style: chr2-74361605-T-C. GRCh37 (hg19) VCF-style: chr2-74588732-T-C.
Other names: c.3656A>G, p.Tyr1219Cys (NM_001135040.3); c.3314A>G, p.Tyr1105Cys (NM_001135041.3); c.3605A>G, p.Tyr1202Cys (NM_001190836.2); c.3710A>G, p.Tyr1237Cys (NM_001190837.2); c.3680A>G, p.Tyr1227Cys (NM_001378991.1); c.3662A>G, p.Tyr1221Cys (NM_001378992.1); c.3329A>G, p.Tyr1110Cys (NM_023019.4); short protein forms Y1105C, Y1110C, Y1202C, Y1221C, Y1244C, Y1219C, Y1227C, Y1237C.
Identifiers: ClinVar variation 934831 (VCV000934831.35), dbSNP rs752422008, ClinGen allele CA50473948.
Genomic context (GRCh38, chr2:74,361,605, plus strand): 5'-AGCACCAGCCGGTGTCGCTGTCCAAAACCAGCCGCACATGAGAAGGTCACTTTGCCCATG[T>C]AGACTGTGTCATCCTGCTGCTCCTCCTTGGCCTGGTGGTTGATGAGGAGAAAAAGACTCC-3'
Protein context (NP_004073.2, residues 1234-1254): AKEEQQDDTV[Tyr1244Cys]MGKVTFSCAA